The following is an entry in ClinVar:

ClinVar aggregate classification (germline): Pathogenic (1 of 4 stars; one submission).

Submission:

Labcorp Genetics (formerly Invitae), Labcorp
Classification: Pathogenic. Last evaluated: 2021-02-16. Review status: criteria provided, single submitter. Criteria: Invitae Variant Classification Sherloc (09022015). Collection method: clinical testing. Allele origin: germline.
Comment: For these reasons, this variant has been classified as Pathogenic. This variant has not been reported in the literature in individuals with SPTB-related conditions. This variant is not present in population databases (ExAC no frequency). This sequence change creates a premature translational stop signal (p.Trp758*) in the SPTB gene. It is expected to result in an absent or disrupted protein product. Loss-of-function variants in SPTB are known to be pathogenic (PMID: 8844207, 26830532, 27292444).

Literature cited by the submitters: PubMed 8844207; PubMed 26830532; PubMed 27292444.

NM_001355436.2(SPTB):c.2274G>A (p.Trp758Ter)

Gene: SPTB (spectrin beta, erythrocytic; minus strand). Cytogenetic location: 14q23.3.
Variant type: single nucleotide variant.
Coding change: c.2274G>A on transcript NM_001355436.2 (MANE Select); coding-DNA position 2274, G replaced by A.
Protein change: p.Trp758Ter; replaces tryptophan 758 with a stop codon.
Molecular consequence: nonsense.
Genome position (GRCh38, 1-based): chr14:64,793,389, C>T on the plus strand (G>A on the coding strand, the complement: SPTB is on the minus strand). VCF-style: chr14-64793389-C-T. GRCh37 (hg19) VCF-style: chr14-65260107-C-T.
Other names: c.2274G>A, p.Trp758Ter (NM_001024858.4, NM_001355437.2); short protein forms W758*.
Identifiers: ClinVar variation 1414107 (VCV001414107.6), dbSNP rs1474848178, ClinGen allele CA390018278.
Genomic context (GRCh38, chr14:64,793,389, plus strand): 5'-CGTGGCCCCTTCGTCCTGCCCCACATCTTCACCAGAGAGCAGCCGGTGGGCGTCTTGCAG[C>T]CAAGCCTTCAGGTCATCCGCATCGCCCTGGAACTGGAAAAAGTTCTCAGCATCCTGGAGG-3'